The following is an entry in ClinVar:

NM_032242.4(PLXNA1):c.134C>T (p.Ser45Leu)

Gene: PLXNA1 (plexin A1; plus strand). Cytogenetic location: 3q21.3.
Variant type: single nucleotide variant.
Coding change: c.134C>T on transcript NM_032242.4 (MANE Select); coding-DNA position 134, C replaced by T.
Protein change: p.Ser45Leu; replaces serine 45 with leucine.
Molecular consequence: missense variant.
Genome position (GRCh38, 1-based): chr3:126,988,727, C>T. VCF-style: chr3-126988727-C-T. GRCh37 (hg19) VCF-style: chr3-126707570-C-T.
Other names: short protein forms S45L.
Identifiers: ClinVar variation 2634535 (VCV002634535.3), dbSNP rs778047319, ClinGen allele CA2592916.

ClinVar aggregate classification (germline): Uncertain significance. Review status: criteria provided, multiple submitters, no conflicts (2 of 4 stars). 2 submissions from 2 submitters: Uncertain significance (2). Last evaluated 2026-09-03.

Conditions:
PLXNA1-related disorder. Also called: PLXNA1-related condition.

Allele frequency attached by ClinVar (database versions not stated): gnomAD exomes 0.00001; TOPMed 0.00002; ExAC 0.00003; gnomAD 0.00003.

Submissions (2):

PreventionGenetics, part of Exact Sciences
Classification: Uncertain significance for PLXNA1-related condition. Last evaluated: 2026-09-03. Review status: criteria provided, single submitter. Criteria: ACMG Guidelines, 2015. Collection method: clinical testing. Allele origin: germline.
Comment: The PLXNA1 c.134C>T variant is predicted to result in the amino acid substitution p.Ser45Leu. To our knowledge, this variant has not been reported in the literature. This variant is reported in 0.0041% of alleles in individuals of South Asian descent in gnomAD. At this time, the clinical significance of this variant is uncertain due to the absence of conclusive functional and genetic evidence.

Ambry Genetics
Classification: Uncertain significance. Last evaluated: 2025-07-16. Review status: criteria provided, single submitter. Criteria: Ambry Variant Classification Scheme 2023. Collection method: clinical testing. Allele origin: germline.